The following is an entry in ClinVar:

ClinVar aggregate classification (germline): Uncertain significance (1 of 4 stars; one submission).

Conditions:
RYR1-related disorder. Also called: RYR1-related condition; RYR1-related disorders. Identifiers: MedGen CN239331.

Allele frequency attached by ClinVar (database versions not stated): gnomAD exomes below 0.00001.
gnomAD v4.1: 1 of 1,614,072 alleles (0.000062%); highest among the groups gnomAD compares: Non-Finnish European, 0.000085%; no homozygotes.

Submission:

Labcorp Genetics (formerly Invitae), Labcorp
Classification: Uncertain significance for RYR1-related disorder. Last evaluated: 2020-11-19. Review status: criteria provided, single submitter. Criteria: Invitae Variant Classification Sherloc (09022015). Collection method: clinical testing. Allele origin: germline.
Comment: This sequence change replaces valine with methionine at codon 3593 of the RYR1 protein (p.Val3593Met). The valine residue is highly conserved and there is a small physicochemical difference between valine and methionine. This variant is not present in population databases (ExAC no frequency). This variant has not been reported in the literature in individuals with RYR1-related conditions. Advanced modeling of protein sequence and biophysical properties (such as structural, functional, and spatial information, amino acid conservation, physicochemical variation, residue mobility, and thermodynamic stability) performed at Invitae indicates that this missense variant is expected to disrupt RYR1 protein function. In summary, the available evidence is currently insufficient to determine the role of this variant in disease. Therefore, it has been classified as a Variant of Uncertain Significance.

NM_000540.3(RYR1):c.10777G>A (p.Val3593Met)

Gene: RYR1 (ryanodine receptor 1; plus strand). Cytogenetic location: 19q13.2.
Variant type: single nucleotide variant.
Coding change: c.10777G>A on transcript NM_000540.3 (MANE Select); coding-DNA position 10777, G replaced by A.
Protein change: p.Val3593Met; replaces valine 3593 with methionine.
Molecular consequence: missense variant.
Genome position (GRCh38, 1-based): chr19:38,527,737, G>A. VCF-style: chr19-38527737-G-A. GRCh37 (hg19) VCF-style: chr19-39018377-G-A.
Other names: c.10762G>A, p.Val3588Met (NM_001042723.2); short protein forms V3588M, V3593M.
Identifiers: ClinVar variation 1004964 (VCV001004964.8), dbSNP rs1971532834, ClinGen allele CA405647038.
Genomic context (GRCh38, chr19:38,527,737, plus strand): 5'-ATGGCTCTGTACCGGGGCGTCCCGGGTCGCGAGGAGGACGCCGATGACCCCGAGAAAATC[G>A]TGCGCAGAGTCCAGGAAGTGTCAGCCGTGCTCTACTACCTGGACCAGGTGGGTGGGGCCG-3'
Protein context (NP_000531.2, residues 3583-3603): EEDADDPEKI[Val3593Met]RRVQEVSAVL